The following is an entry in ClinVar:

ClinVar aggregate classification (germline): Uncertain significance. Review status: criteria provided, multiple submitters, no conflicts (2 of 4 stars). 4 submissions from 4 submitters: Uncertain significance (2). 2 of the submissions do not count toward it. Last evaluated 2024-01-12.

Conditions:
Mucopolysaccharidosis type 1. Also called: IDUA deficiency; MPS I. Identifiers: Orphanet 579, MedGen C0023786, MONDO:0001586.
IDUA-related disorder. Also called: IDUA-related condition.

Allele frequency attached by ClinVar (database versions not stated): 1000 Genomes Project 30x 0.00062; TOPMed 0.00044; ESP Exome Variant Server 0.00054; 1000 Genomes Project 0.00080.
gnomAD v4.1: 96 of 1,599,474 alleles (0.006%); highest among the groups gnomAD compares: African/African-American, 0.12%; no homozygotes.

Submissions (4):

Women's Health and Genetics/Laboratory Corporation of America, LabCorp
Classification: Uncertain significance. Last evaluated: 2024-01-12. Review status: criteria provided, single submitter. Criteria: LabCorp Variant Classification Summary - May 2015. Collection method: clinical testing. Allele origin: germline.
Comment: Variant summary: IDUA c.493+6C>G alters a non-conserved nucleotide located close to a canonical splice site and therefore could affect mRNA splicing, leading to a significantly altered protein sequence. Several computational tools predict a significant impact on normal splicing: Two predict the variant weakens a 5' donor site. However, these predictions have yet to be confirmed by functional studies. The variant allele was found at a frequency of 8e-05 in 249238 control chromosomes. This frequency is not significantly higher than estimated for a pathogenic variant in IDUA causing Mucopolysaccharidosis Type 1 (8e-05 vs 0.0027), allowing no conclusion about variant significance. To our knowledge, no occurrence of c.493+6C>G in individuals affected with Mucopolysaccharidosis Type 1 and no experimental evidence demonstrating its impact on protein function have been reported. ClinVar contains an entry for this variant (Variation ID: 971485). Based on the evidence outlined above, the variant was classified as uncertain significance.

Labcorp Genetics (formerly Invitae), Labcorp
Classification: Uncertain significance for Mucopolysaccharidosis type 1. Last evaluated: 2022-11-01. Review status: criteria provided, single submitter. Criteria: Invitae Variant Classification Sherloc (09022015). Collection method: clinical testing. Allele origin: germline.
Comment: This sequence change falls in intron 4 of the IDUA gene. It does not directly change the encoded amino acid sequence of the IDUA protein. It affects a nucleotide within the consensus splice site. This variant is present in population databases (rs376738689, gnomAD 0.1%). This variant has not been reported in the literature in individuals affected with IDUA-related conditions. ClinVar contains an entry for this variant (Variation ID: 971485). Variants that disrupt the consensus splice site are a relatively common cause of aberrant splicing (PMID: 17576681, 9536098). Algorithms developed to predict the effect of sequence changes on RNA splicing suggest that this variant may disrupt the consensus splice site. In summary, the available evidence is currently insufficient to determine the role of this variant in disease. Therefore, it has been classified as a Variant of Uncertain Significance.

Natera, Inc.
Classification: Uncertain significance for Mucopolysaccharidosis type I. Last evaluated: 2020-04-22. Review status: no assertion criteria provided. Collection method: clinical testing. Allele origin: germline. Not counted in ClinVar's aggregate classification.

PreventionGenetics, part of Exact Sciences
Classification: Likely benign for IDUA-related condition. Last evaluated: 2019-12-17. Review status: no assertion criteria provided. Collection method: clinical testing. Allele origin: germline. Not counted in ClinVar's aggregate classification.
Comment: This variant is classified as likely benign based on ACMG/AMP sequence variant interpretation guidelines (Richards et al. 2015 PMID: 25741868, with internal and published modifications).

Literature cited by the submitters: PubMed 17576681 (cited by Labcorp Genetics (formerly Invitae), Labcorp); PubMed 9536098 (cited by Labcorp Genetics (formerly Invitae), Labcorp).

NM_000203.5(IDUA):c.493+6C>G

Gene: IDUA (alpha-L-iduronidase; plus strand). Cytogenetic location: 4p16.3.
Variant type: single nucleotide variant.
Coding change: c.493+6C>G on transcript NM_000203.5 (MANE Select); 6 bases into the intron after coding-DNA position 493, C replaced by G.
Molecular consequence: intron variant.
Genome position (GRCh38, 1-based): chr4:1,000,995, C>G. VCF-style: chr4-1000995-C-G. GRCh37 (hg19) VCF-style: chr4-994783-C-G.
Other names: c.97+6C>G (NM_001363576.1).
Identifiers: ClinVar variation 971485 (VCV000971485.11), dbSNP rs376738689, ClinGen allele CA2801936.
Genomic context (GRCh38, chr4:1,000,995, plus strand): 5'-CAGCAGGTGTTTGAGTGGAAGGACTTGGTCTCCAGCCTGGCCAGGAGATACATCGGTGGG[C>G]GAGCGCAGGCCCTGGGGCCCTGGCCGGGGCGGGGGTACTCCTGGGCAGGTTGCACCCCTA-3'